The following is an entry in ClinVar:

ClinVar aggregate classification (germline): Likely benign (1 of 4 stars; one submission).

gnomAD v4.1: 25 of 1,205,454 alleles (0.0021%); highest among the groups gnomAD compares: African/African-American, 0.0071%; no homozygotes.

Submission:

CeGaT Center for Human Genetics Tuebingen
Classification: Likely benign. Last evaluated: 2026-03-01. Review status: criteria provided, single submitter. Criteria: CeGaT Center For Human Genetics Tuebingen Variant Classification Criteria Version 2. Collection method: clinical testing. Allele origin: germline. Affected: yes. Observed: 1 variant allele.
Comment: SLC9A7: BS2

NM_001257291.2(SLC9A7):c.1318G>A (p.Val440Ile)

Gene: SLC9A7 (solute carrier family 9 member A7; minus strand). Cytogenetic location: Xp11.3.
Variant type: single nucleotide variant.
Coding change: c.1318G>A on transcript NM_001257291.2 (MANE Select); coding-DNA position 1318, G replaced by A.
Protein change: p.Val440Ile; replaces valine 440 with isoleucine.
Molecular consequence: missense variant.
Genome position (GRCh38, 1-based): chrX:46,651,142, C>T on the plus strand (G>A on the coding strand, the complement: SLC9A7 is on the minus strand). VCF-style: chrX-46651142-C-T. GRCh37 (hg19) VCF-style: chrX-46510577-C-T.
Other names: c.1315G>A, p.Val439Ile (NM_032591.3); short protein forms V439I, V440I.
Identifiers: ClinVar variation 4821678 (VCV004821678.4).